The following is an entry in ClinVar:

ClinVar aggregate classification (germline): Uncertain significance (1 of 4 stars; one submission).

Submission:

GeneDx
Classification: Uncertain significance. Last evaluated: 2025-06-02. Review status: criteria provided, single submitter. Criteria: GeneDx Variant Classification Process June 2021. Collection method: clinical testing. Allele origin: germline. Affected: yes.
Comment: Not observed at significant frequency in large population cohorts (gnomAD); In silico analysis supports that this missense variant has a deleterious effect on protein structure/function; Has not been previously published as pathogenic or benign to our knowledge

NM_005862.3(STAG1):c.425T>C (p.Met142Thr)

Gene: STAG1 (STAG1 cohesin complex component; minus strand). Cytogenetic location: 3q22.3.
Variant type: single nucleotide variant.
Coding change: c.425T>C on transcript NM_005862.3 (MANE Select); coding-DNA position 425, T replaced by C.
Protein change: p.Met142Thr; replaces methionine 142 with threonine.
Molecular consequence: missense variant.
Genome position (GRCh38, 1-based): chr3:136,542,165, A>G on the plus strand (T>C on the coding strand, the complement: STAG1 is on the minus strand). VCF-style: chr3-136542165-A-G. GRCh37 (hg19) VCF-style: chr3-136261007-A-G.
Other names: short protein forms M142T.
Identifiers: ClinVar variation 4536552 (VCV004536552.1).